The following is an entry in ClinVar:

NM_015047.3(EMC1):c.2117G>A (p.Arg706Gln)

Genes: EMC1 (ER membrane protein complex subunit 1; minus strand), EMC1-AS1 (EMC1 antisense RNA 1; plus strand). Cytogenetic location: 1p36.13.
Variant type: single nucleotide variant.
Coding change: c.2117G>A on transcript NM_015047.3 (MANE Select); coding-DNA position 2117, G replaced by A.
Protein change: p.Arg706Gln; replaces arginine 706 with glutamine.
Molecular consequence: missense variant.
Genome position (GRCh38, 1-based): chr1:19,227,398, C>T on the plus strand (G>A on the coding strand, the complement: EMC1 is on the minus strand). VCF-style: chr1-19227398-C-T. GRCh37 (hg19) VCF-style: chr1-19553892-C-T.
Other names: c.2114G>A, p.Arg705Gln (NM_001271427.2, NM_001271428.2); c.2051G>A, p.Arg684Gln (NM_001271429.2); c.2126G>A, p.Arg709Gln (NM_001375820.1); c.2123G>A, p.Arg708Gln (NM_001375821.1); short protein forms R684Q, R706Q, R705Q, R708Q, R709Q.
Identifiers: ClinVar variation 1414160 (VCV001414160.6), dbSNP rs199561891, ClinGen allele CA652391.

ClinVar aggregate classification (germline): Uncertain significance (1 of 4 stars; one submission).

Allele frequency attached by ClinVar (database versions not stated): gnomAD 0.00001; gnomAD exomes 0.00002 and 0.00003; TOPMed 0.00002; ExAC 0.00004.
gnomAD v4.1: 28 of 1,614,064 alleles (0.0017%); highest among the groups gnomAD compares: Middle Eastern, 0.016%; no homozygotes.

Submission:

Labcorp Genetics (formerly Invitae), Labcorp
Classification: Uncertain significance. Last evaluated: 2025-12-11. Review status: criteria provided, single submitter. Criteria: Invitae Variant Classification Sherloc (09022015). Collection method: clinical testing. Allele origin: germline.
Comment: This sequence change replaces arginine, which is basic and polar, with glutamine, which is neutral and polar, at codon 706 of the EMC1 protein (p.Arg706Gln). This variant is present in population databases (rs199561891, gnomAD 0.04%). This variant has not been reported in the literature in individuals affected with EMC1-related conditions. ClinVar contains an entry for this variant (Variation ID: 1414160). Invitae Evidence Modeling of protein sequence and biophysical properties (such as structural, functional, and spatial information, amino acid conservation, physicochemical variation, residue mobility, and thermodynamic stability) indicates that this missense variant is not expected to disrupt EMC1 protein function with a negative predictive value of 80%. In summary, the available evidence is currently insufficient to determine the role of this variant in disease. Therefore, it has been classified as a Variant of Uncertain Significance.